The following is an entry in ClinVar:

NM_016122.3(CEP83):c.1937C>T (p.Pro646Leu)

Gene: CEP83 (centrosomal protein 83; minus strand). Cytogenetic location: 12q22.
Variant type: single nucleotide variant.
Coding change: c.1937C>T on transcript NM_016122.3 (MANE Select); coding-DNA position 1937, C replaced by T.
Protein change: p.Pro646Leu; replaces proline 646 with leucine.
Molecular consequence: missense variant. On other transcripts: non-coding transcript variant (2).
Genome position (GRCh38, 1-based): chr12:94,309,982, G>A on the plus strand (C>T on the coding strand, the complement: CEP83 is on the minus strand). VCF-style: chr12-94309982-G-A. GRCh37 (hg19) VCF-style: chr12-94703758-G-A.
Other names: c.1937C>T, p.Pro646Leu (NM_001042399.2, NM_001346457.2, NM_001368037.1 and 1 more transcripts); c.1625C>T, p.Pro542Leu (NM_001346458.2, NM_001346459.2, NM_001368039.1 and 1 more transcripts); c.1712C>T, p.Pro571Leu (NM_001368041.1); short protein forms P542L, P571L, P646L.
Identifiers: ClinVar variation 1022821 (VCV001022821.8), dbSNP rs1456934142, ClinGen allele CA386046312.

ClinVar aggregate classification (germline): Uncertain significance (1 of 4 stars; one submission).

Conditions:
Nephronophthisis 18 (NPHP18). Identifiers: Orphanet 655, MedGen C3890591, MONDO:0014374, OMIM 615862.

Allele frequency attached by ClinVar (database versions not stated): gnomAD exomes below 0.00001.
gnomAD v4.1: 1 of 1,612,020 alleles (0.000062%); highest among the groups gnomAD compares: Admixed American, 0.0017%; no homozygotes.

Submission:

Labcorp Genetics (formerly Invitae), Labcorp
Classification: Uncertain significance for Nephronophthisis 18. Last evaluated: 2022-06-20. Review status: criteria provided, single submitter. Criteria: Invitae Variant Classification Sherloc (09022015). Collection method: clinical testing. Allele origin: germline.
Comment: This sequence change replaces proline, which is neutral and non-polar, with leucine, which is neutral and non-polar, at codon 646 of the CEP83 protein (p.Pro646Leu). This variant is present in population databases (no rsID available, gnomAD 0.003%). Algorithms developed to predict the effect of missense changes on protein structure and function are either unavailable or do not agree on the potential impact of this missense change (SIFT: "Not Available"; PolyPhen-2: "Possibly Damaging"; Align-GVGD: "Not Available"). In summary, the available evidence is currently insufficient to determine the role of this variant in disease. Therefore, it has been classified as a Variant of Uncertain Significance. This variant has not been reported in the literature in individuals affected with CEP83-related conditions. ClinVar contains an entry for this variant (Variation ID: 1022821).